The following is an entry in ClinVar:

ClinVar aggregate classification (germline): Conflicting classifications of pathogenicity. Review status: criteria provided, conflicting classifications (1 of 4 stars). 4 submissions from 4 submitters: Uncertain significance (3); Likely benign (1). Last evaluated 2026-05-12.

Allele frequency attached by ClinVar (database versions not stated): gnomAD 0.00001; gnomAD exomes 0.00001 and 0.00002; TOPMed 0.00001; ExAC 0.00002.
gnomAD v4.1: 24 of 1,612,338 alleles (0.0015%); highest among the groups gnomAD compares: Middle Eastern, 0.066%; no homozygotes.

Submissions (4):

GeneDx
Classification: Uncertain significance. Last evaluated: 2026-05-12. Review status: criteria provided, single submitter. Criteria: GeneDx Variant Classification Process June 2021. Collection method: clinical testing. Allele origin: germline.
Comment: Not observed at significant frequency in large population cohorts (gnomAD); In silico analysis supports that this missense variant has a deleterious effect on protein structure/function; Has not been previously published as pathogenic or benign to our knowledge

Labcorp Genetics (formerly Invitae), Labcorp
Classification: Likely benign. Last evaluated: 2025-03-18. Review status: criteria provided, single submitter. Criteria: Invitae Variant Classification Sherloc (09022015). Collection method: clinical testing. Allele origin: germline.

Blueprint Genetics
Classification: Uncertain significance. Last evaluated: 2023-11-01. Review status: criteria provided, single submitter. Criteria: ACMG Guidelines, 2015. Collection method: clinical testing. Allele origin: germline.

Laboratory for Molecular Medicine, Mass General Brigham Personalized Medicine
Classification: Uncertain significance. Last evaluated: 2020-11-20. Review status: criteria provided, single submitter. Criteria: LMM Criteria. Collection method: clinical testing. Allele origin: germline. Observed: 1 variant allele.
Comment: The p.Pro938Ser variant in COL11A2 has not been previously reported in individuals with hearing loss or Stickler syndrome but has been identified in 0.003% (1/34452) of Latino chromosomes by gnomAD. It has not been annotated in ClinVar or other databases. Computational prediction tools and conservation analyses suggest that this variant may impact the protein, though this information is not predictive enough to determine pathogenicity. In summary, the clinical significance of this variant is uncertain. ACMG/AMP Criteria applied: PM2_supporting, PP3.

NM_080680.3(COL11A2):c.2812C>T (p.Pro938Ser)

Gene: COL11A2 (collagen type XI alpha 2 chain; minus strand). Cytogenetic location: 6p21.32.
Variant type: single nucleotide variant.
Coding change: c.2812C>T on transcript NM_080680.3 (MANE Select); coding-DNA position 2812, C replaced by T.
Protein change: p.Pro938Ser; replaces proline 938 with serine.
Molecular consequence: missense variant.
Genome position (GRCh38, 1-based): chr6:33,172,616, G>A on the plus strand (C>T on the coding strand, the complement: COL11A2 is on the minus strand). VCF-style: chr6-33172616-G-A. GRCh37 (hg19) VCF-style: chr6-33140393-G-A.
Other names: c.2491C>T, p.Pro831Ser (NM_080679.3); c.2554C>T, p.Pro852Ser (NM_080681.3); c.2812C>T (NM_080680.2); short protein forms P831S, P852S, P938S.
Identifiers: ClinVar variation 1120089 (VCV001120089.10), dbSNP rs764935691, ClinGen allele CA3750720.